The following is an entry in ClinVar:

NM_006185.4(NUMA1):c.1328G>A (p.Arg443Gln)

Genes: NUMA1 (nuclear mitotic apparatus protein 1; minus strand), NUMA1-AS1 (NUMA1 antisense RNA 1; plus strand). Cytogenetic location: 11q13.4.
Variant type: single nucleotide variant.
Coding change: c.1328G>A on transcript NM_006185.4 (MANE Select); coding-DNA position 1328, G replaced by A.
Protein change: p.Arg443Gln; replaces arginine 443 with glutamine.
Molecular consequence: missense variant.
Genome position (GRCh38, 1-based): chr11:72,016,175, C>T on the plus strand (G>A on the coding strand, the complement: NUMA1 is on the minus strand). VCF-style: chr11-72016175-C-T. GRCh37 (hg19) VCF-style: chr11-71727221-C-T.
Other names: c.1328G>A, p.Arg443Gln (NM_001286561.2); short protein forms R443Q.
Identifiers: ClinVar variation 711555 (VCV000711555.6), dbSNP rs34335618, ClinGen allele CA6167632.
Genomic context (GRCh38, chr11:72,016,175, plus strand): 5'-TGCTGCTTTTCTTCTTCGAAGTGGCCCCGCTCAGCAAGCAGCTTGGCTTCCTGCTGGCCT[C>T]GCTCAGTCTCCAGCATCTCTACCCTGGCTTGGAGCTGTGTGTTGTTTGCAGCAAGAGTGG-3'
Protein context (NP_006176.2, residues 433-453): QARVEMLETE[Arg443Gln]GQQEAKLLAE

ClinVar aggregate classification (germline): Benign. Review status: criteria provided, multiple submitters, no conflicts (2 of 4 stars). 3 submissions from 3 submitters: Benign (2). 1 of the submissions does not count toward it. Last evaluated 2018-04-05.

Conditions:
NUMA1-related disorder. Also called: NUMA1-related condition.

Allele frequency attached by ClinVar (database versions not stated): gnomAD 0.00775 and 0.00734; 1000 Genomes Project 0.01018; gnomAD exomes 0.00184 and 0.00072; ESP Exome Variant Server 0.00755; 1000 Genomes Project 30x 0.01124; ExAC 0.00217; TOPMed 0.00796.
gnomAD v4.1: 2,227 of 1,613,740 alleles (0.14%); highest among the groups gnomAD compares: African/African-American, 2.6%; 30 homozygotes.

Submissions (3):

Labcorp Genetics (formerly Invitae), Labcorp
Classification: Benign. Last evaluated: 2018-04-05. Review status: criteria provided, single submitter. Criteria: Invitae Variant Classification Sherloc (09022015). Collection method: clinical testing. Allele origin: germline.

Breakthrough Genomics
Classification: Benign. Review status: criteria provided, single submitter. Criteria: ACMG Guidelines, 2015. Collection method: not provided. Allele origin: germline. Inheritance: Unknown mechanism. Affected: yes.

PreventionGenetics, part of Exact Sciences
Classification: Benign for NUMA1-related condition. Last evaluated: 2019-03-13. Review status: no assertion criteria provided. Collection method: clinical testing. Allele origin: germline. Not counted in ClinVar's aggregate classification.
Comment: This variant is classified as benign based on ACMG/AMP sequence variant interpretation guidelines (Richards et al. 2015 PMID: 25741868, with internal and published modifications).